The following is an entry in ClinVar:

NM_001197293.3(DPYSL2):c.792C>T (p.His264=)

Gene: DPYSL2 (dihydropyrimidinase like 2; plus strand). Cytogenetic location: 8p21.2.
Variant type: single nucleotide variant.
Coding change: c.792C>T on transcript NM_001197293.3 (MANE Select); coding-DNA position 792, C replaced by T.
Protein change: p.His264=; no amino-acid change (histidine 264 retained).
Molecular consequence: synonymous variant.
Genome position (GRCh38, 1-based): chr8:26,624,306, C>T. VCF-style: chr8-26624306-C-T. GRCh37 (hg19) VCF-style: chr8-26481822-C-T.
Other names: c.369C>T, p.His123= (NM_001244604.2); c.477C>T, p.His159= (NM_001386.6).
Identifiers: ClinVar variation 718924 (VCV000718924.29), dbSNP rs139123217, ClinGen allele CA4686420.

ClinVar aggregate classification (germline): Likely benign. Review status: criteria provided, multiple submitters, no conflicts (2 of 4 stars). 3 submissions from 3 submitters: Likely benign (3). Last evaluated 2026-07-01.

Allele frequency attached by ClinVar (database versions not stated): gnomAD 0.00306 and 0.00289; gnomAD exomes 0.00319 and 0.00378; ExAC 0.00332; 1000 Genomes Project 30x 0.00203; 1000 Genomes Project 0.00240; TOPMed 0.00260; ESP Exome Variant Server 0.00261.
gnomAD v4.1: 5,952 of 1,613,984 alleles (0.37%); highest among the groups gnomAD compares: Non-Finnish European, 0.42%; 13 homozygotes.

Submissions (3):

CeGaT Center for Human Genetics Tuebingen
Classification: Likely benign. Last evaluated: 2026-07-01. Review status: criteria provided, single submitter. Criteria: CeGaT Center For Human Genetics Tuebingen Variant Classification Criteria Version 2. Collection method: clinical testing. Allele origin: germline. Affected: yes. Observed: 5 variant alleles.
Comment: DPYSL2: BP4, BP7, BS2

Labcorp Genetics (formerly Invitae), Labcorp
Classification: Likely benign. Last evaluated: 2019-12-31. Review status: criteria provided, single submitter. Criteria: Invitae Variant Classification Sherloc (09022015). Collection method: clinical testing. Allele origin: germline.

Breakthrough Genomics
Classification: Likely benign. Review status: criteria provided, single submitter. Criteria: ACMG Guidelines, 2015. Collection method: not provided. Allele origin: germline. Inheritance: Unknown mechanism. Affected: yes.